The following is an entry in ClinVar:

NM_144992.5(VWA3B):c.1738-4G>A

Gene: VWA3B (von Willebrand factor A domain containing 3B; plus strand). Cytogenetic location: 2q11.2.
Variant type: single nucleotide variant.
Coding change: c.1738-4G>A on transcript NM_144992.5 (MANE Select); 4 bases into the intron before coding-DNA position 1738, G replaced by A.
Molecular consequence: intron variant.
Genome position (GRCh38, 1-based): chr2:98,211,926, G>A. VCF-style: chr2-98211926-G-A. GRCh37 (hg19) VCF-style: chr2-98828389-G-A.
Other names: NC_000002.11:g.98828389G>A; c.709-4G>A (NM_001345864.2).
Identifiers: ClinVar variation 3055461 (VCV003055461.3), dbSNP rs62154945, ClinGen allele CA1792661.

ClinVar aggregate classification (germline): Benign (0 of 4 stars; one submission).

Conditions:
VWA3B-related disorder. Also called: VWA3B-related condition.

Allele frequency attached by ClinVar (database versions not stated): 1000 Genomes Project 30x 0.02202; 1000 Genomes Project 0.02256; TOPMed 0.04304; gnomAD 0.04756; ESP Exome Variant Server 0.05385.
gnomAD v4.1: 104,924 of 1,610,944 alleles (6.5%); highest among the groups gnomAD compares: Non-Finnish European, 7.7%; 4,137 homozygotes.

Submissions (17):

PreventionGenetics, part of Exact Sciences
Classification: Benign for VWA3B-related condition. Last evaluated: 2019-07-08. Review status: no assertion criteria provided. Collection method: clinical testing. Allele origin: germline.
Comment: This variant is classified as benign based on ACMG/AMP sequence variant interpretation guidelines (Richards et al. 2015 PMID: 25741868, with internal and published modifications).

Dr. Peter K. Rogan Lab, Western University
No classification provided (evidence only). Condition: Colorectal cancer. Review status: no classification provided. Collection method: in vitro. Allele origin: not applicable. Functional consequence: retained intron. Not counted in ClinVar's aggregate classification.

Dr. Peter K. Rogan Lab, Western University
No classification provided (evidence only). Condition: Uterine corpus endometrial carcinoma. Review status: no classification provided. Collection method: in vitro. Allele origin: not applicable. Functional consequence: retained intron. Not counted in ClinVar's aggregate classification.

Dr. Peter K. Rogan Lab, Western University
No classification provided (evidence only). Condition: Uterine corpus endometrial carcinoma. Review status: no classification provided. Collection method: in vitro. Allele origin: not applicable. Functional consequence: retained intron. Not counted in ClinVar's aggregate classification.

Dr. Peter K. Rogan Lab, Western University
No classification provided (evidence only). Condition: Malignant lymphoma, large B-cell, diffuse. Review status: no classification provided. Collection method: in vitro. Allele origin: not applicable. Functional consequence: retained intron. Not counted in ClinVar's aggregate classification.

Dr. Peter K. Rogan Lab, Western University
No classification provided (evidence only). Condition: Thymoma. Review status: no classification provided. Collection method: in vitro. Allele origin: not applicable. Functional consequence: retained intron. Not counted in ClinVar's aggregate classification.

Dr. Peter K. Rogan Lab, Western University
No classification provided (evidence only). Condition: Thymoma. Review status: no classification provided. Collection method: in vitro. Allele origin: not applicable. Functional consequence: retained intron. Not counted in ClinVar's aggregate classification.

Dr. Peter K. Rogan Lab, Western University
No classification provided (evidence only). Condition: Thymoma. Review status: no classification provided. Collection method: in vitro. Allele origin: not applicable. Functional consequence: retained intron. Not counted in ClinVar's aggregate classification.

Dr. Peter K. Rogan Lab, Western University
No classification provided (evidence only). Condition: Adrenocortical carcinoma, hereditary. Review status: no classification provided. Collection method: in vitro. Allele origin: not applicable. Functional consequence: retained intron. Not counted in ClinVar's aggregate classification.

Dr. Peter K. Rogan Lab, Western University
No classification provided (evidence only). Condition: Adrenocortical carcinoma, hereditary. Review status: no classification provided. Collection method: in vitro. Allele origin: not applicable. Functional consequence: retained intron. Not counted in ClinVar's aggregate classification.

Dr. Peter K. Rogan Lab, Western University
No classification provided (evidence only). Condition: Adrenocortical carcinoma, hereditary. Review status: no classification provided. Collection method: in vitro. Allele origin: not applicable. Functional consequence: retained intron. Not counted in ClinVar's aggregate classification.

Dr. Peter K. Rogan Lab, Western University
No classification provided (evidence only). Condition: Uterine carcinosarcoma. Review status: no classification provided. Collection method: in vitro. Allele origin: not applicable. Functional consequence: retained intron. Not counted in ClinVar's aggregate classification.

Dr. Peter K. Rogan Lab, Western University
No classification provided (evidence only). Condition: Uterine carcinosarcoma. Review status: no classification provided. Collection method: in vitro. Allele origin: not applicable. Functional consequence: retained intron. Not counted in ClinVar's aggregate classification.

Dr. Peter K. Rogan Lab, Western University
No classification provided (evidence only). Condition: Uveal melanoma. Review status: no classification provided. Collection method: in vitro. Allele origin: not applicable. Functional consequence: retained intron. Not counted in ClinVar's aggregate classification.

Dr. Peter K. Rogan Lab, Western University
No classification provided (evidence only). Condition: Uveal melanoma. Review status: no classification provided. Collection method: in vitro. Allele origin: not applicable. Functional consequence: retained intron. Not counted in ClinVar's aggregate classification.

Dr. Peter K. Rogan Lab, Western University
No classification provided (evidence only). Condition: Uveal melanoma. Review status: no classification provided. Collection method: in vitro. Allele origin: not applicable. Functional consequence: retained intron. Not counted in ClinVar's aggregate classification.

Dr. Peter K. Rogan Lab, Western University
No classification provided (evidence only). Condition: Uveal melanoma. Review status: no classification provided. Collection method: in vitro. Allele origin: not applicable. Functional consequence: retained intron. Not counted in ClinVar's aggregate classification.